The following is an entry in ClinVar:

NM_020223.4(FAM20C):c.1682T>A (p.Val561Glu)

Gene: FAM20C (FAM20C golgi associated secretory pathway kinase; plus strand). Cytogenetic location: 7p22.3.
Variant type: single nucleotide variant.
Coding change: c.1682T>A on transcript NM_020223.4 (MANE Select); coding-DNA position 1682, T replaced by A.
Protein change: p.Val561Glu; replaces valine 561 with glutamic acid.
Molecular consequence: missense variant.
Genome position (GRCh38, 1-based): chr7:259,907, T>A. VCF-style: chr7-259907-T-A. GRCh37 (hg19) VCF-style: chr7-299873-T-A.
Other names: short protein forms V561E.
Identifiers: ClinVar variation 1441476 (VCV001441476.5), dbSNP rs921080810, ClinGen allele CA152289032.
Genomic context (GRCh38, chr7:259,907, plus strand): 5'-CGCACCTGGAGGCCCTGGACCGGCGGCTCCGCGTCGTGCTAAAGGCCGTCCGGGACTGCG[T>A]GGAGAGGAACGGGCTCCACAGCGTGGTGGATGACGACCTGGACACTGAGCACAGAGCCGC-3'
Protein context (NP_064608.2, residues 551-571): RVVLKAVRDC[Val561Glu]ERNGLHSVVD

ClinVar aggregate classification (germline): Uncertain significance (1 of 4 stars; one submission).

Allele frequency attached by ClinVar (database versions not stated): gnomAD exomes below 0.00001 and 0.00001; gnomAD 0.00001; TOPMed 0.00002.
gnomAD v4.1: 2 of 1,535,202 alleles (0.00013%); highest among the groups gnomAD compares: Non-Finnish European, 0.00017%; no homozygotes.

Submission:

Labcorp Genetics (formerly Invitae), Labcorp
Classification: Uncertain significance. Last evaluated: 2022-02-21. Review status: criteria provided, single submitter. Criteria: Invitae Variant Classification Sherloc (09022015). Collection method: clinical testing. Allele origin: germline.
Comment: This sequence change replaces valine, which is neutral and non-polar, with glutamic acid, which is acidic and polar, at codon 561 of the FAM20C protein (p.Val561Glu). This variant is present in population databases (no rsID available, gnomAD 0.002%). This variant has not been reported in the literature in individuals affected with FAM20C-related conditions. Algorithms developed to predict the effect of missense changes on protein structure and function (SIFT, PolyPhen-2, Align-GVGD) all suggest that this variant is likely to be disruptive. In summary, the available evidence is currently insufficient to determine the role of this variant in disease. Therefore, it has been classified as a Variant of Uncertain Significance.